The following is an entry in ClinVar:

ClinVar aggregate classification (germline): Uncertain significance (1 of 4 stars; one submission).

Conditions:
Dyskeratosis congenita. Identifiers: Orphanet 1775, MedGen C0265965, MONDO:0015780.

Allele frequency attached by ClinVar (database versions not stated): gnomAD exomes below 0.00001; ExAC 0.00001; gnomAD 0.00001; TOPMed 0.00002.

Submission:

Labcorp Genetics (formerly Invitae), Labcorp
Classification: Uncertain significance for Dyskeratosis congenita. Last evaluated: 2025-07-28. Review status: criteria provided, single submitter. Criteria: Invitae Variant Classification Sherloc (09022015). Collection method: clinical testing. Allele origin: germline.
Comment: This sequence change replaces proline, which is neutral and non-polar, with leucine, which is neutral and non-polar, at codon 244 of the TINF2 protein (p.Pro244Leu). This variant is present in population databases (rs775202856, gnomAD 0.002%). This variant has not been reported in the literature in individuals affected with TINF2-related conditions. ClinVar contains an entry for this variant (Variation ID: 1495754). An algorithm developed to predict the effect of missense changes on protein structure and function (PolyPhen-2) suggests that this variant is likely to be tolerated. In summary, the available evidence is currently insufficient to determine the role of this variant in disease. Therefore, it has been classified as a Variant of Uncertain Significance.

NM_001099274.3(TINF2):c.731C>T (p.Pro244Leu)

Gene: TINF2 (TERF1 interacting nuclear factor 2; minus strand). Cytogenetic location: 14q12.
Variant type: single nucleotide variant.
Coding change: c.731C>T on transcript NM_001099274.3 (MANE Select); coding-DNA position 731, C replaced by T.
Protein change: p.Pro244Leu; replaces proline 244 with leucine.
Molecular consequence: missense variant.
Genome position (GRCh38, 1-based): chr14:24,240,749, G>A on the plus strand (C>T on the coding strand, the complement: TINF2 is on the minus strand). VCF-style: chr14-24240749-G-A. GRCh37 (hg19) VCF-style: chr14-24709955-G-A.
Other names: c.626C>T, p.Pro209Leu (NM_001363668.2); c.731C>T, p.Pro244Leu (NM_012461.3); short protein forms P244L, P209L.
Identifiers: ClinVar variation 1495754 (VCV001495754.8), dbSNP rs775202856, ClinGen allele CA7130570.